The following is an entry in ClinVar:

NM_031885.5(BBS2):c.1713G>A (p.Met571Ile)

Gene: BBS2 (Bardet-Biedl syndrome 2; minus strand). Cytogenetic location: 16q13.
Variant type: single nucleotide variant.
Coding change: c.1713G>A on transcript NM_031885.5 (MANE Select); coding-DNA position 1713, G replaced by A.
Protein change: p.Met571Ile; replaces methionine 571 with isoleucine.
Molecular consequence: missense variant. On other transcripts: non-coding transcript variant (5).
Genome position (GRCh38, 1-based): chr16:56,497,827, C>T on the plus strand (G>A on the coding strand, the complement: BBS2 is on the minus strand). VCF-style: chr16-56497827-C-T. GRCh37 (hg19) VCF-style: chr16-56531739-C-T.
Other names: c.1713G>A (NM_031885.3); c.1713G>A, p.Met571Ile (NM_001377456.1); short protein forms M571I.
Identifiers: ClinVar variation 1497114 (VCV001497114.12), dbSNP rs755329143, ClinGen allele CA8065635.
Genomic context (GRCh38, chr16:56,497,827, plus strand): 5'-CTCAAAATAGACAGGAAAATCCGCTTCTACTTGAAGGTCTTCAATAGCAAAAAATGATGC[C>T]ATTGACTGGATGATATCACCAGCCAAATCAATATCATCAGTATTTATAGTGATCTACCCA-3'
Protein context (NP_114091.4, residues 561-581): IDLAGDIIQS[Met571Ile]ASFFAIEDLQ

ClinVar aggregate classification (germline): Uncertain significance. Review status: criteria provided, multiple submitters, no conflicts (2 of 4 stars). 5 submissions from 5 submitters: Uncertain significance (4). 1 of the submissions does not count toward it. Last evaluated 2023-04-19.

Conditions:
Bardet-Biedl syndrome 2 (BBS2). Identifiers: Orphanet 110, MedGen C2936863, MONDO:0014432, OMIM 615981.
Retinitis pigmentosa 74 (RP74). Identifiers: Orphanet 791, MedGen C4225281, MONDO:0014692, OMIM 616562.
Inborn genetic diseases. Identifiers: MedGen C0950123, MeSH D030342.
BBS2-related disorder. Also called: BBS2-related disorders; BBS2-related condition. Identifiers: MedGen CN239228.
Bardet-Biedl syndrome (BBS). Identifiers: Orphanet 110, MedGen C0752166, MONDO:0015229.

Allele frequency attached by ClinVar (database versions not stated): ExAC 0.00002; gnomAD 0.00002; gnomAD exomes 0.00002; TOPMed 0.00002.
gnomAD v4.1: 37 of 1,612,574 alleles (0.0023%); highest among the groups gnomAD compares: Non-Finnish European, 0.0031%; no homozygotes.

Submissions (5):

Ambry Genetics
Classification: Uncertain significance for Inborn genetic diseases. Last evaluated: 2023-04-19. Review status: criteria provided, single submitter. Criteria: Ambry Variant Classification Scheme 2023. Collection method: clinical testing. Allele origin: germline.

Labcorp Genetics (formerly Invitae), Labcorp
Classification: Uncertain significance for Bardet-Biedl syndrome. Last evaluated: 2022-08-16. Review status: criteria provided, single submitter. Criteria: Invitae Variant Classification Sherloc (09022015). Collection method: clinical testing. Allele origin: germline.
Comment: This sequence change replaces methionine, which is neutral and non-polar, with isoleucine, which is neutral and non-polar, at codon 571 of the BBS2 protein (p.Met571Ile). This variant is present in population databases (rs755329143, gnomAD 0.006%). This variant has not been reported in the literature in individuals affected with BBS2-related conditions. ClinVar contains an entry for this variant (Variation ID: 1497114). Algorithms developed to predict the effect of missense changes on protein structure and function output the following: SIFT: "Tolerated"; PolyPhen-2: "Benign"; Align-GVGD: "Class C0". The isoleucine amino acid residue is found in multiple mammalian species, which suggests that this missense change does not adversely affect protein function. In summary, the available evidence is currently insufficient to determine the role of this variant in disease. Therefore, it has been classified as a Variant of Uncertain Significance.

Fulgent Genetics
Classification: Uncertain significance for Bardet-Biedl syndrome 2; Retinitis pigmentosa 74. Last evaluated: 2022-01-28. Review status: criteria provided, single submitter. Criteria: ACMG Guidelines, 2015. Collection method: clinical testing. Allele origin: unknown.

Blueprint Genetics
Classification: Uncertain significance. Last evaluated: 2018-06-13. Review status: criteria provided, single submitter. Criteria: ACMG Guidelines, 2015. Collection method: clinical testing. Allele origin: germline.

PreventionGenetics, part of Exact Sciences
Classification: Uncertain significance for BBS2-related condition. Last evaluated: 2024-03-09. Review status: no assertion criteria provided. Collection method: clinical testing. Allele origin: germline. Not counted in ClinVar's aggregate classification.
Comment: The BBS2 c.1713G>A variant is predicted to result in the amino acid substitution p.Met571Ile. To our knowledge, this variant has not been reported in the literature. This variant is reported in 0.0062% of alleles in individuals of European (Non-Finnish) descent in gnomAD. At this time, the clinical significance of this variant is uncertain due to the absence of conclusive functional and genetic evidence.